The following is an entry in ClinVar:

NM_002474.3(MYH11):c.5672A>G (p.Glu1891Gly)

Genes: MYH11 (myosin heavy chain 11; minus strand), NDE1 (nudE neurodevelopment protein 1; plus strand). Cytogenetic location: 16p13.11.
Variant type: single nucleotide variant.
Coding change: c.5672A>G on transcript NM_002474.3 (MANE Select); coding-DNA position 5672, A replaced by G.
Protein change: p.Glu1891Gly; replaces glutamic acid 1891 with glycine.
Molecular consequence: missense variant. On other transcripts: intron variant (2).
Genome position (GRCh38, 1-based): chr16:15,715,023, T>C on the plus strand (A>G on the coding strand, the complement: MYH11 is on the minus strand). VCF-style: chr16-15715023-T-C. GRCh37 (hg19) VCF-style: chr16-15808880-T-C.
Other names: c.5693A>G, p.Glu1898Gly (NM_001040113.2, NM_001040114.2); c.5672A>G, p.Glu1891Gly (NM_022844.3); c.948-9168T>C (NM_001143979.2, NM_017668.3); short protein forms E1891G, E1898G.
Identifiers: ClinVar variation 3387158 (VCV003387158.1).

ClinVar aggregate classification (germline): Uncertain significance (1 of 4 stars; one submission).

Conditions:
Familial thoracic aortic aneurysm and aortic dissection (TAAD). Also called: Thoracic aortic aneurysms and dissections. Identifiers: Orphanet 91387, MedGen C4707243, MONDO:0019625.

Submission:

All of Us Research Program, National Institutes of Health
Classification: Uncertain significance for Familial thoracic aortic aneurysm and aortic dissection. Last evaluated: 2024-05-30. Review status: criteria provided, single submitter. Criteria: ACMG Guidelines, 2015. Collection method: clinical testing. Allele origin: germline. Inheritance: Autosomal dominant inheritance. Observed: 1 variant allele, 1 heterozygote.
Comment: This missense variant replaces glutamic acid with glycine at codon 1898 of the MYH11 protein. Computational prediction suggests that this variant may have deleterious impact on protein structure and function (internally defined REVEL score threshold >= 0.7, PMID: 27666373). To our knowledge, functional studies have not been reported for this variant. This variant has not been reported in individuals affected with MYH11-related disorders in the literature. This variant has not been identified in the general population by the Genome Aggregation Database (gnomAD). The available evidence is insufficient to determine the role of this variant in disease conclusively. Therefore, this variant is classified as a Variant of Uncertain Significance.

This study involves interpretation of variants in research participants for the purpose of population health screening. Participant phenotype was not available at the time of variant classification. Additional details can be found in publication PMID: 35346344, PMCID: PMC8962531